The following is an entry in ClinVar:

NM_000292.3(PHKA2):c.3410G>C (p.Arg1137Pro)

Genes: PHKA2 (phosphorylase kinase regulatory subunit alpha 2; minus strand), PHKA2-AS1 (PHKA2 antisense RNA 1; plus strand). Cytogenetic location: Xp22.13.
Variant type: single nucleotide variant.
Coding change: c.3410G>C on transcript NM_000292.3 (MANE Select); coding-DNA position 3410, G replaced by C.
Protein change: p.Arg1137Pro; replaces arginine 1137 with proline.
Molecular consequence: missense variant. On other transcripts: non-coding transcript variant (1).
Genome position (GRCh38, 1-based): chrX:18,894,331, C>G on the plus strand (G>C on the coding strand, the complement: PHKA2 is on the minus strand). VCF-style: chrX-18894331-C-G. GRCh37 (hg19) VCF-style: chrX-18912449-C-G.
Other names: short protein forms R1137P.
Identifiers: ClinVar variation 1995607 (VCV001995607.4), dbSNP rs764689376, ClinGen allele CA412375692.

ClinVar aggregate classification (germline): Uncertain significance (1 of 4 stars; one submission).

Conditions:
Glycogen storage disease IXa1. Also called: LIVER GLYCOGENOSIS, X-LINKED, TYPE I; GLYCOGEN STORAGE DISEASE VIII; GSD VIII; Glycogen storage disease 8. Identifiers: Orphanet 264580, MedGen C3694531, MONDO:0010598, OMIM 306000.

Submission:

Labcorp Genetics (formerly Invitae), Labcorp
Classification: Uncertain significance for Glycogen storage disease IXa1. Last evaluated: 2022-05-17. Review status: criteria provided, single submitter. Criteria: Invitae Variant Classification Sherloc (09022015). Collection method: clinical testing. Allele origin: germline.
Comment: In summary, the available evidence is currently insufficient to determine the role of this variant in disease. Therefore, it has been classified as a Variant of Uncertain Significance. Algorithms developed to predict the effect of missense changes on protein structure and function (SIFT, PolyPhen-2, Align-GVGD) all suggest that this variant is likely to be disruptive. This variant has not been reported in the literature in individuals affected with PHKA2-related conditions. This variant is not present in population databases (gnomAD no frequency). This sequence change replaces arginine, which is basic and polar, with proline, which is neutral and non-polar, at codon 1137 of the PHKA2 protein (p.Arg1137Pro).